The following is an entry in ClinVar:

NM_001080449.3(DNA2):c.2824C>T (p.Pro942Ser)

Gene: DNA2 (DNA replication helicase/nuclease 2; minus strand). Cytogenetic location: 10q21.3.
Variant type: single nucleotide variant.
Coding change: c.2824C>T on transcript NM_001080449.3 (MANE Select); coding-DNA position 2824, C replaced by T.
Protein change: p.Pro942Ser; replaces proline 942 with serine.
Molecular consequence: missense variant. On other transcripts: non-coding transcript variant (1).
Genome position (GRCh38, 1-based): chr10:68,419,177, G>A on the plus strand (C>T on the coding strand, the complement: DNA2 is on the minus strand). VCF-style: chr10-68419177-G-A. GRCh37 (hg19) VCF-style: chr10-70178934-G-A.
Other names: short protein forms P942S.
Identifiers: ClinVar variation 2093586 (VCV002093586.4), dbSNP rs2493895186, ClinGen allele CA376841697.
Genomic context (GRCh38, chr10:68,419,177, plus strand): 5'-CGACCATCCCAATAGAACGTGCCAATAAATCATTGATGATCTTTAATTGCTGCCTGTACG[G>A]TGCAATAATACCAATATCAGAGGGACTGCATCCAGCCTAAATAGAAAAAGACACAATTTA-3'
Protein context (NP_001073918.2, residues 932-952): CSPSDIGIIA[Pro942Ser]YRQQLKIIND

ClinVar aggregate classification (germline): Uncertain significance (1 of 4 stars; one submission).

Submission:

Labcorp Genetics (formerly Invitae), Labcorp
Classification: Uncertain significance. Last evaluated: 2022-02-21. Review status: criteria provided, single submitter. Criteria: Invitae Variant Classification Sherloc (09022015). Collection method: clinical testing. Allele origin: germline.
Comment: In summary, the available evidence is currently insufficient to determine the role of this variant in disease. Therefore, it has been classified as a Variant of Uncertain Significance. Algorithms developed to predict the effect of missense changes on protein structure and function are either unavailable or do not agree on the potential impact of this missense change (SIFT: "Tolerated"; PolyPhen-2: "Not Available"; Align-GVGD: "Class C0"). This variant has not been reported in the literature in individuals affected with DNA2-related conditions. This variant is not present in population databases (gnomAD no frequency). This sequence change replaces proline, which is neutral and non-polar, with serine, which is neutral and polar, at codon 942 of the DNA2 protein (p.Pro942Ser).